The following is an entry in ClinVar:

ClinVar aggregate classification (germline): Likely benign. Review status: criteria provided, single submitter (1 of 4 stars). 2 submissions from 2 submitters: Likely benign (1). 1 of the submissions does not count toward it. Last evaluated 2023-09-18.

Conditions:
RAB3GAP1-related disorder. Also called: RAB3GAP1-related condition; RAB3GAP1-related disorders.

Allele frequency attached by ClinVar (database versions not stated): TOPMed below 0.00001; gnomAD exomes 0.00001; ExAC 0.00002.
gnomAD v4.1: 15 of 1,614,214 alleles (0.00093%); highest among the groups gnomAD compares: South Asian, 0.014%; no homozygotes.

Submissions (2):

Labcorp Genetics (formerly Invitae), Labcorp
Classification: Likely benign. Last evaluated: 2023-09-18. Review status: criteria provided, single submitter. Criteria: Invitae Variant Classification Sherloc (09022015). Collection method: clinical testing. Allele origin: germline.

PreventionGenetics, part of Exact Sciences
Classification: Likely benign for RAB3GAP1-related condition. Last evaluated: 2021-10-19. Review status: no assertion criteria provided. Collection method: clinical testing. Allele origin: germline. Not counted in ClinVar's aggregate classification.
Comment: This variant is classified as likely benign based on ACMG/AMP sequence variant interpretation guidelines (Richards et al. 2015 PMID: 25741868, with internal and published modifications).

NM_012233.3(RAB3GAP1):c.1926A>G (p.Glu642=)

Gene: RAB3GAP1 (RAB3 GTPase activating protein catalytic subunit 1; plus strand). Cytogenetic location: 2q21.3.
Variant type: single nucleotide variant.
Coding change: c.1926A>G on transcript NM_012233.3 (MANE Select); coding-DNA position 1926, A replaced by G.
Protein change: p.Glu642=; no amino-acid change (glutamic acid 642 retained).
Molecular consequence: synonymous variant.
Genome position (GRCh38, 1-based): chr2:135,150,371, A>G. VCF-style: chr2-135150371-A-G. GRCh37 (hg19) VCF-style: chr2-135907941-A-G.
Other names: c.1926A>G (NM_012233.2); c.1926A>G, p.Glu642= (NM_001172435.2).
Identifiers: ClinVar variation 2730455 (VCV002730455.5), dbSNP rs570784548, ClinGen allele CA1884957.